The following is an entry in ClinVar:

NM_002700.3(POU4F3):c.316C>A (p.His106Asn)

Genes: POU4F3 (POU class 4 homeobox 3; plus strand), RBM27-POU4F3 (RBM27-POU4F3 readthrough; plus strand). Cytogenetic location: 5q32.
Variant type: single nucleotide variant.
Coding change: c.316C>A on transcript NM_002700.3 (MANE Select); coding-DNA position 316, C replaced by A.
Protein change: p.His106Asn; replaces histidine 106 with asparagine.
Molecular consequence: missense variant. On other transcripts: 3 prime UTR variant (1).
Genome position (GRCh38, 1-based): chr5:146,339,743, C>A. VCF-style: chr5-146339743-C-A. GRCh37 (hg19) VCF-style: chr5-145719306-C-A.
Other names: c.*185C>A (NM_001414499.1); short protein forms H106N.
Identifiers: ClinVar variation 4983094 (VCV004983094.1).

ClinVar aggregate classification (germline): Uncertain significance (1 of 4 stars; one submission).

Conditions:
POU4F3-related disorder. Also called: POU4F3-related condition.

gnomAD v4.1: 14 of 1,613,976 alleles (0.00087%); highest among the groups gnomAD compares: Non-Finnish European, 0.0011%; no homozygotes.

Submission:

PreventionGenetics, part of Exact Sciences
Classification: Uncertain significance for POU4F3-related condition. Last evaluated: 2025-12-30. Review status: criteria provided, single submitter. Criteria: ACMG Guidelines, 2015. Collection method: clinical testing. Allele origin: germline.
Comment: The POU4F3 c.316C>A variant is predicted to result in the amino acid substitution p.His106Asn. To our knowledge, this variant has not been reported in the literature. This variant is reported in 0.00088% of alleles in individuals of European (Non-Finnish) descent in gnomAD. At this time, the clinical significance of this variant is uncertain due to the absence of conclusive functional and genetic evidence.